The following is an entry in ClinVar:

ClinVar aggregate classification (germline): Pathogenic (1 of 4 stars; one submission).

Submission:

Labcorp Genetics (formerly Invitae), Labcorp
Classification: Pathogenic. Last evaluated: 2024-06-28. Review status: criteria provided, single submitter. Criteria: Invitae Variant Classification Sherloc (09022015). Collection method: clinical testing. Allele origin: germline.
Comment: This sequence change creates a premature translational stop signal (p.Glu58*) in the IHH gene. It is expected to result in an absent or disrupted protein product. Loss-of-function variants in IHH are known to be pathogenic (PMID: 11455389, 19277064). This variant is not present in population databases (gnomAD no frequency). This variant has not been reported in the literature in individuals affected with IHH-related conditions. ClinVar contains an entry for this variant (Variation ID: 1481193). For these reasons, this variant has been classified as Pathogenic.

Literature cited by the submitters: PubMed 11455389; PubMed 19277064.

NM_002181.4(IHH):c.172G>T (p.Glu58Ter)

Gene: IHH (Indian hedgehog signaling molecule; minus strand). Cytogenetic location: 2q35.
Variant type: single nucleotide variant.
Coding change: c.172G>T on transcript NM_002181.4 (MANE Select); coding-DNA position 172, G replaced by T.
Protein change: p.Glu58Ter; replaces glutamic acid 58 with a stop codon.
Molecular consequence: nonsense.
Genome position (GRCh38, 1-based): chr2:219,060,296, C>A on the plus strand (G>T on the coding strand, the complement: IHH is on the minus strand). VCF-style: chr2-219060296-C-A. GRCh37 (hg19) VCF-style: chr2-219925018-C-A.
Other names: short protein forms E58*.
Identifiers: ClinVar variation 1481193 (VCV001481193.6), dbSNP rs2106310580, ClinGen allele CA350637141.